The following is an entry in ClinVar:

NM_002582.4(PARN):c.1124_1133del (p.Gln375fs)

Gene: PARN (poly(A)-specific ribonuclease; minus strand). Cytogenetic location: 16p13.12.
Variant type: Deletion.
Coding change: c.1124_1133del on transcript NM_002582.4 (MANE Select); coding-DNA positions 1124 to 1133, 10 bases deleted (AACTCCACGA; older notation c.1124_1133delAACTCCACGA).
Protein change: p.Gln375fs; shifts the reading frame from glutamine 375.
Molecular consequence: frameshift variant.
Genome position (GRCh38, 1-based): chr16:14,582,240-14,582,249, TCGTGGAGTT deleted on the plus strand (AACTCCACGA on the coding strand, the reverse complement: PARN is on the minus strand). VCF-style (leftmost placement, unchanged base first): chr16-14582239-CTCGTGGAGTT-C. GRCh37 (hg19) VCF-style: chr16-14676096-CTCGTGGAGTT-C.
Other names: c.941_950del, p.Gln314fs (NM_001134477.3); c.986_995del, p.Gln329fs (NM_001242992.2); short protein forms Q314fs, Q375fs, Q329fs.
Identifiers: ClinVar variation 835748 (VCV000835748.8), dbSNP rs1969578006, ClinGen allele CA916083486.

ClinVar aggregate classification (germline): Pathogenic (1 of 4 stars; one submission).

Conditions:
Dyskeratosis congenita, autosomal recessive 6 (DKCB6). Identifiers: MedGen C4225356, MONDO:0014600, OMIM 616353.
Pulmonary fibrosis and/or bone marrow failure, Telomere-related, 4. Also called: PULMONARY FIBROSIS AND/OR BONE MARROW FAILURE SYNDROME, TELOMERE-RELATED, 4. Identifiers: Orphanet 2032, MedGen C4225347, MONDO:0014612, OMIM 616371.

Submission:

Labcorp Genetics (formerly Invitae), Labcorp
Classification: Pathogenic for Dyskeratosis congenita, autosomal recessive 6; Pulmonary fibrosis and/or bone marrow failure, Telomere-related, 4. Last evaluated: 2019-12-03. Review status: criteria provided, single submitter. Criteria: Invitae Variant Classification Sherloc (09022015). Collection method: clinical testing. Allele origin: germline.
Comment: For these reasons, this variant has been classified as Pathogenic. Loss-of-function variants in PARN are known to be pathogenic (PMID: 9736620, 25848748, 26810774). This variant has not been reported in the literature in individuals with PARN-related conditions. This variant is not present in population databases (ExAC no frequency). This sequence change creates a premature translational stop signal (p.Gln375Argfs*20) in the PARN gene. It is expected to result in an absent or disrupted protein product.

Literature cited by the submitters: PubMed 9736620; PubMed 25848748; PubMed 26810774.